The following is an entry in ClinVar:

ClinVar aggregate classification (germline): Uncertain significance (1 of 4 stars; one submission).

Conditions:
FHOD3-related disorder. Also called: FHOD3-related condition.

Submission:

PreventionGenetics, part of Exact Sciences
Classification: Uncertain significance for FHOD3-related condition. Last evaluated: 2026-09-22. Review status: criteria provided, single submitter. Criteria: ACMG Guidelines, 2015. Collection method: clinical testing. Allele origin: germline.
Comment: The FHOD3 c.1559A>G variant is predicted to result in the amino acid substitution p.His520Arg. To our knowledge, this variant has not been reported in the literature. This variant is reported in 0.013% of alleles in individuals of African descent in gnomAD, which may be too frequent to be a primary cause of disease. Although we suspect that this variant may be benign, at this time, the clinical significance of this variant is uncertain due to the absence of conclusive functional and genetic evidence.

NM_001281740.3(FHOD3):c.1559A>G (p.His520Arg)

Gene: FHOD3 (formin homology 2 domain containing 3; plus strand). Cytogenetic location: 18q12.2.
Variant type: single nucleotide variant.
Coding change: c.1559A>G on transcript NM_001281740.3 (MANE Select); coding-DNA position 1559, A replaced by G.
Protein change: p.His520Arg; replaces histidine 520 with arginine.
Molecular consequence: missense variant. On other transcripts: intron variant (2).
Genome position (GRCh38, 1-based): chr18:36,652,842, A>G. VCF-style: chr18-36652842-A-G. GRCh37 (hg19) VCF-style: chr18-34232805-A-G.
Other names: c.1197-5233A>G (NM_025135.5, NM_001281739.3); short protein forms H520R.
Identifiers: ClinVar variation 4990637 (VCV004990637.1).